The following is an entry in ClinVar:

NM_021930.6(RINT1):c.1744G>A (p.Gly582Arg)

Gene: RINT1 (RAD50 interactor 1; plus strand). Cytogenetic location: 7q22.3.
Variant type: single nucleotide variant.
Coding change: c.1744G>A on transcript NM_021930.6 (MANE Select); coding-DNA position 1744, G replaced by A.
Protein change: p.Gly582Arg; replaces glycine 582 with arginine.
Molecular consequence: missense variant. On other transcripts: non-coding transcript variant (1).
Genome position (GRCh38, 1-based): chr7:105,563,805, G>A. VCF-style: chr7-105563805-G-A. GRCh37 (hg19) VCF-style: chr7-105204252-G-A.
Other names: c.1510G>A, p.Gly504Arg (NM_001346599.2); c.721G>A, p.Gly241Arg (NM_001346600.2, NM_001346603.2); c.820G>A, p.Gly274Arg (NM_001346601.2); short protein forms G241R, G582R, G274R, G504R.
Identifiers: ClinVar variation 2622856 (VCV002622856.2), dbSNP rs1791558036, ClinGen allele CA368813722.

ClinVar aggregate classification (germline): Uncertain significance (1 of 4 stars; one submission).

Allele frequency attached by ClinVar (database versions not stated): gnomAD exomes below 0.00001; TOPMed below 0.00001.
gnomAD v4.1: 5 of 1,614,126 alleles (0.00031%); highest among the groups gnomAD compares: South Asian, 0.0011%; no homozygotes.

Submission:

Ambry Genetics
Classification: Uncertain significance. Last evaluated: 2023-08-01. Review status: criteria provided, single submitter. Criteria: Ambry Variant Classification Scheme 2023. Collection method: clinical testing. Allele origin: germline.
Comment: The p.G582R variant (also known as c.1744G>A), located in coding exon 12 of the RINT1 gene, results from a G to A substitution at nucleotide position 1744. The glycine at codon 582 is replaced by arginine, an amino acid with dissimilar properties. This amino acid position is conserved. In addition, the in silico prediction for this alteration is inconclusive. Since supporting evidence is limited at this time, the clinical significance of this alteration remains unclear.